The following is an entry in ClinVar:

NM_001039111.3(TRIM71):c.2504G>T (p.Gly835Val)

Gene: TRIM71 (tripartite motif containing 71; plus strand). Cytogenetic location: 3p22.3.
Variant type: single nucleotide variant.
Coding change: c.2504G>T on transcript NM_001039111.3 (MANE Select); coding-DNA position 2504, G replaced by T.
Protein change: p.Gly835Val; replaces glycine 835 with valine.
Molecular consequence: missense variant.
Genome position (GRCh38, 1-based): chr3:32,891,708, G>T. VCF-style: chr3-32891708-G-T. GRCh37 (hg19) VCF-style: chr3-32933200-G-T.
Other names: short protein forms G835V.
Identifiers: ClinVar variation 4992263 (VCV004992263.1).

ClinVar aggregate classification (germline): Uncertain significance (1 of 4 stars; one submission).

Conditions:
TRIM71-related disorder. Also called: TRIM71-related condition.

Submission:

PreventionGenetics, part of Exact Sciences
Classification: Uncertain significance for TRIM71-related condition. Last evaluated: 2026-03-02. Review status: criteria provided, single submitter. Criteria: ACMG Guidelines, 2015. Collection method: clinical testing. Allele origin: germline.
Comment: The TRIM71 c.2504G>T variant is predicted to result in the amino acid substitution p.Gly835Val. To our knowledge, this variant has not been reported in the literature or in a large population database (gnomAD), indicating this variant is rare. At this time, the clinical significance of this variant is uncertain due to the absence of conclusive functional and genetic evidence.